The following is an entry in ClinVar:

NM_016122.3(CEP83):c.398G>C (p.Arg133Pro)

Gene: CEP83 (centrosomal protein 83; minus strand). Cytogenetic location: 12q22.
Variant type: single nucleotide variant.
Coding change: c.398G>C on transcript NM_016122.3 (MANE Select); coding-DNA position 398, G replaced by C.
Protein change: p.Arg133Pro; replaces arginine 133 with proline.
Molecular consequence: missense variant. On other transcripts: non-coding transcript variant (3), intron variant (2).
Genome position (GRCh38, 1-based): chr12:94,403,189, C>G on the plus strand (G>C on the coding strand, the complement: CEP83 is on the minus strand). VCF-style: chr12-94403189-C-G. GRCh37 (hg19) VCF-style: chr12-94796965-C-G.
Other names: c.398G>C, p.Arg133Pro (NM_001042399.2, NM_001346457.2, NM_001346460.2 and 3 more transcripts); c.86G>C, p.Arg29Pro (NM_001346458.2, NM_001346459.2, NM_001346462.2 and 2 more transcripts); c.324+8508G>C (NM_001368041.1); c.12+8508G>C (NM_001368042.1); short protein forms R133P, R29P.
Identifiers: ClinVar variation 4293586 (VCV004293586.1).

ClinVar aggregate classification (germline): Uncertain significance (1 of 4 stars; one submission).

Conditions:
Nephronophthisis 18 (NPHP18). Identifiers: Orphanet 655, MedGen C3890591, MONDO:0014374, OMIM 615862.

gnomAD v4.1: 3 of 1,565,932 alleles (0.00019%); highest among the groups gnomAD compares: Non-Finnish European, 0.00026%; no homozygotes.

Submission:

3billion
Classification: Uncertain significance for Nephronophthisis 18. Last evaluated: 2025-02-10. Review status: criteria provided, single submitter. Criteria: ACMG Guidelines, 2015. Collection method: clinical testing. Allele origin: germline. Affected: yes.
Comment: The variant is observed at an extremely low frequency in the gnomAD v4.1.0 dataset (total allele frequency: <0.001%). Predicted Consequence/Location: Missense variant. The majority of the known disease-causing variants of this gene are variants expected to result in premature termination of the protein. Different missense changes at the same codon have been reported as of uncertain significance (ClinVar ID: VCV001358896, VCV002421253). Therefore, this variant is classified as VUS according to the recommendation of ACMG/AMP guideline.